The following is an entry in ClinVar:

NM_017617.5(NOTCH1):c.3155C>T (p.Thr1052Ile)

Gene: NOTCH1 (notch receptor 1; minus strand). Cytogenetic location: 9q34.3.
Variant type: single nucleotide variant.
Coding change: c.3155C>T on transcript NM_017617.5 (MANE Select); coding-DNA position 3155, C replaced by T.
Protein change: p.Thr1052Ile; replaces threonine 1052 with isoleucine.
Molecular consequence: missense variant.
Genome position (GRCh38, 1-based): chr9:136,508,886, G>A on the plus strand (C>T on the coding strand, the complement: NOTCH1 is on the minus strand). VCF-style: chr9-136508886-G-A. GRCh37 (hg19) VCF-style: chr9-139403338-G-A.
Other names: short protein forms T1052I.
Identifiers: ClinVar variation 1716192 (VCV001716192.5), dbSNP rs1223895336, ClinGen allele CA375552661.

ClinVar aggregate classification (germline): Uncertain significance (1 of 4 stars; one submission).

Conditions:
Adams-Oliver syndrome 5 (AOS5). Identifiers: Orphanet 974, MedGen C4014970, MONDO:0014459, OMIM 616028.

Submission:

Labcorp Genetics (formerly Invitae), Labcorp
Classification: Uncertain significance for Adams-Oliver syndrome 5. Last evaluated: 2022-08-12. Review status: criteria provided, single submitter. Criteria: Invitae Variant Classification Sherloc (09022015). Collection method: clinical testing. Allele origin: germline.
Comment: Advanced modeling of protein sequence and biophysical properties (such as structural, functional, and spatial information, amino acid conservation, physicochemical variation, residue mobility, and thermodynamic stability) performed at Invitae indicates that this missense variant is not expected to disrupt NOTCH1 protein function. This variant has not been reported in the literature in individuals affected with NOTCH1-related conditions. This variant is not present in population databases (gnomAD no frequency). This sequence change replaces threonine, which is neutral and polar, with isoleucine, which is neutral and non-polar, at codon 1052 of the NOTCH1 protein (p.Thr1052Ile). In summary, the available evidence is currently insufficient to determine the role of this variant in disease. Therefore, it has been classified as a Variant of Uncertain Significance.